The following is an entry in ClinVar:

ClinVar aggregate classification (germline): Uncertain significance (1 of 4 stars; one submission).

Conditions:
Hypertrophic cardiomyopathy. Also called: HYPERTROPHIC MYOCARDIOPATHY. Identifiers: Orphanet 217569, MedGen C0007194, MeSH D002312, MONDO:0005045, HP:0001639.

Submission:

Labcorp Genetics (formerly Invitae), Labcorp
Classification: Uncertain significance for Hypertrophic cardiomyopathy. Last evaluated: 2021-08-07. Review status: criteria provided, single submitter. Criteria: Invitae Variant Classification Sherloc (09022015). Collection method: clinical testing. Allele origin: germline.
Comment: This sequence change replaces serine with glycine at codon 815 of the MYBPC3 protein (p.Ser815Gly). The serine residue is highly conserved and there is a small physicochemical difference between serine and glycine. This variant is not present in population databases (ExAC no frequency). This variant has not been reported in the literature in individuals affected with MYBPC3-related conditions. Algorithms developed to predict the effect of missense changes on protein structure and function (SIFT, PolyPhen-2, Align-GVGD) all suggest that this variant is likely to be disruptive. In summary, the available evidence is currently insufficient to determine the role of this variant in disease. Therefore, it has been classified as a Variant of Uncertain Significance.

NM_000256.3(MYBPC3):c.2443A>G (p.Ser815Gly)

Gene: MYBPC3 (myosin binding protein C3; minus strand). Cytogenetic location: 11p11.2.
Variant type: single nucleotide variant.
Coding change: c.2443A>G on transcript NM_000256.3 (MANE Select); coding-DNA position 2443, A replaced by G.
Protein change: p.Ser815Gly; replaces serine 815 with glycine.
Molecular consequence: missense variant.
Genome position (GRCh38, 1-based): chr11:47,337,550, T>C on the plus strand (A>G on the coding strand, the complement: MYBPC3 is on the minus strand). VCF-style: chr11-47337550-T-C. GRCh37 (hg19) VCF-style: chr11-47359101-T-C.
Other names: short protein forms S815G.
Identifiers: ClinVar variation 1481372 (VCV001481372.6), dbSNP rs2142855470, ClinGen allele CA380318429.